The following is an entry in ClinVar:

ClinVar aggregate classification (germline): Uncertain significance (1 of 4 stars; one submission).

gnomAD v4.1: 1 of 1,614,132 alleles (0.000062%); highest among the groups gnomAD compares: Admixed American, 0.0017%; no homozygotes.

Submission:

Mayo Clinic Laboratories, Mayo Clinic
Classification: Uncertain significance. Last evaluated: 2025-12-11. Review status: criteria provided, single submitter. Criteria: ACMG Guidelines, 2015. Collection method: clinical testing. Allele origin: germline. Observed: 1 variant allele.
Comment: PM2_supporting

NM_018122.5(DARS2):c.965C>T (p.Ala322Val)

Gene: DARS2 (aspartyl-tRNA synthetase 2, mitochondrial; plus strand). Cytogenetic location: 1q25.1.
Variant type: single nucleotide variant.
Coding change: c.965C>T on transcript NM_018122.5 (MANE Select); coding-DNA position 965, C replaced by T.
Protein change: p.Ala322Val; replaces alanine 322 with valine.
Molecular consequence: missense variant.
Genome position (GRCh38, 1-based): chr1:173,839,491, C>T. VCF-style: chr1-173839491-C-T. GRCh37 (hg19) VCF-style: chr1-173808629-C-T.
Other names: p.Ala322Val; c.965C>T, p.Ala322Val (NM_001365212.1, NM_001365213.2); short protein forms A322V.
Identifiers: ClinVar variation 4541893 (VCV004541893.1).